The following is an entry in ClinVar:

ClinVar aggregate classification (germline): Uncertain significance (1 of 4 stars; one submission).

Submission:

Ambry Genetics
Classification: Uncertain significance. Last evaluated: 2026-02-16. Review status: criteria provided, single submitter. Criteria: Ambry Variant Classification Scheme 2023. Collection method: clinical testing. Allele origin: germline.
Comment: The p.A76V variant (also known as c.227C>T), located in coding exon 3 of the RAD51B gene, results from a C to T substitution at nucleotide position 227. The alanine at codon 76 is replaced by valine, an amino acid with similar properties. This amino acid position is conserved. In addition, this alteration is predicted to be tolerated by in silico analysis. Based on the available evidence, the clinical significance of this variant remains unclear.

NM_133510.4(RAD51B):c.227C>T (p.Ala76Val)

Gene: RAD51B (RAD51 paralog B; plus strand). Cytogenetic location: 14q24.1.
Variant type: single nucleotide variant.
Coding change: c.227C>T on transcript NM_133510.4 (MANE Select); coding-DNA position 227, C replaced by T.
Protein change: p.Ala76Val; replaces alanine 76 with valine.
Molecular consequence: missense variant. On other transcripts: 5 prime UTR variant (1).
Genome position (GRCh38, 1-based): chr14:67,835,108, C>T. VCF-style: chr14-67835108-C-T. GRCh37 (hg19) VCF-style: chr14-68301825-C-T.
Other names: c.227C>T, p.Ala76Val (NM_001321810.2, NM_001321812.1, NM_001321814.2 and 6 more transcripts); c.113C>T, p.Ala38Val (NM_001321815.1); c.-229C>T (NM_001321817.2); short protein forms A38V, A76V.
Identifiers: ClinVar variation 4824260 (VCV004824260.1).